The following is an entry in ClinVar:

NM_000051.4(ATM):c.1643C>T (p.Thr548Ile)

Gene: ATM (ATM serine/threonine kinase; plus strand). Cytogenetic location: 11q22.3.
Variant type: single nucleotide variant.
Coding change: c.1643C>T on transcript NM_000051.4 (MANE Select); coding-DNA position 1643, C replaced by T.
Protein change: p.Thr548Ile; replaces threonine 548 with isoleucine.
Molecular consequence: missense variant.
Genome position (GRCh38, 1-based): chr11:108,251,872, C>T. VCF-style: chr11-108251872-C-T. GRCh37 (hg19) VCF-style: chr11-108122599-C-T.
Other names: c.1643C>T, p.Thr548Ile (NM_001351834.2); short protein forms T548I.
Identifiers: ClinVar variation 4747176 (VCV004747176.1).

ClinVar aggregate classification (germline): Uncertain significance (1 of 4 stars; one submission).

Conditions:
Ataxia-telangiectasia syndrome (AT). Also called: Ataxia-telangiectasia, complementation group D; AT, COMPLEMENTATION GROUP C; Ataxia-telangiectasia; Ataxia telangiectasia (A-T); LOUIS-BAR SYNDROME; Cerebello-oculocutaneous telangiectasia. Identifiers: Orphanet 100, MedGen C0004135, MONDO:0008840, OMIM 208900.

Submission:

Labcorp Genetics (formerly Invitae), Labcorp
Classification: Uncertain significance for Ataxia-telangiectasia syndrome. Last evaluated: 2025-04-01. Review status: criteria provided, single submitter. Criteria: Invitae Variant Classification Sherloc (09022015). Collection method: clinical testing. Allele origin: germline.
Comment: This sequence change replaces threonine, which is neutral and polar, with isoleucine, which is neutral and non-polar, at codon 548 of the ATM protein (p.Thr548Ile). This variant is not present in population databases (gnomAD no frequency). This variant has not been reported in the literature in individuals affected with ATM-related conditions. Invitae Evidence Modeling of protein sequence and biophysical properties (such as structural, functional, and spatial information, amino acid conservation, physicochemical variation, residue mobility, and thermodynamic stability) indicates that this missense variant is not expected to disrupt ATM protein function with a negative predictive value of 95%. In summary, the available evidence is currently insufficient to determine the role of this variant in disease. Therefore, it has been classified as a Variant of Uncertain Significance.